The following is an entry in ClinVar:

NM_000059.4(BRCA2):c.7630G>A (p.Gly2544Ser)

Gene: BRCA2 (BRCA2 DNA repair associated; plus strand). Cytogenetic location: 13q13.1.
Variant type: single nucleotide variant.
Coding change: c.7630G>A on transcript NM_000059.4 (MANE Select); coding-DNA position 7630, G replaced by A.
Protein change: p.Gly2544Ser; replaces glycine 2544 with serine.
Molecular consequence: missense variant.
Genome position (GRCh38, 1-based): chr13:32,357,754, G>A. VCF-style: chr13-32357754-G-A. GRCh37 (hg19) VCF-style: chr13-32931891-G-A.
Other names: short protein forms G2544S.
Identifiers: ClinVar variation 141088 (VCV000141088.38), dbSNP rs587781485, ClinGen allele CA025200.
Genomic context (GRCh38, chr13:32,357,754, plus strand): 5'-GTTTACTTTAAATTGTTTTTCTTTTTTGTGTGTGTTTATTTTGTGTAGCTGTATACGTAT[G>A]GCGTTTCTAAACATTGCATAAAAATTAACAGCAAAAATGCAGAGTCTTTTCAGTTTCACA-3'
Protein context (NP_000050.3, residues 2534-2554): ACSHKQLYTY[Gly2544Ser]VSKHCIKINS

ClinVar aggregate classification (germline): Conflicting classifications of pathogenicity. Review status: criteria provided, conflicting classifications (1 of 4 stars). 11 submissions from 11 submitters: Uncertain significance (6); Likely benign (3). 2 of the submissions do not count toward it. Last evaluated 2025-12-22.

Conditions:
Hereditary cancer-predisposing syndrome. Also called: Neoplastic Syndromes, Hereditary; Hereditary Cancer Syndrome; Hereditary neoplastic syndrome; Tumor predisposition. Identifiers: Orphanet 140162, MedGen C0027672, MeSH D009386, MONDO:0015356.
Hereditary breast ovarian cancer syndrome. Also called: Hereditary breast and ovarian cancer syndrome; Hereditary breast and/or ovarian cancer syndrome; BRCA1- and BRCA2-Associated Hereditary Breast and Ovarian Cancer; Hereditary breast and ovarian cancer; Breast and ovarian cancer; Hereditary breast and ovarian cancer syndrome (HBOC). Identifiers: Orphanet 145, MedGen C0677776, MeSH D061325, MONDO:0003582. Disease mechanism: loss of function.
Breast-ovarian cancer, familial, susceptibility to, 2 (BROVCA2). Also called: BRCA2 Hereditary Breast and Ovarian Cancer. Identifiers: Orphanet 145, MedGen C2675520, MONDO:0012933, OMIM 612555. Disease mechanism: loss of function.

Allele frequency attached by ClinVar (database versions not stated): TOPMed 0.00001.

Submissions (11):

Women's Health and Genetics/Laboratory Corporation of America, LabCorp
Classification: Likely benign. Last evaluated: 2025-12-22. Review status: criteria provided, single submitter. Criteria: LabCorp Variant Classification Summary - May 2015. Collection method: clinical testing. Allele origin: germline.
Comment: Variant summary: BRCA2 c.7630G>A (p.Gly2544Ser) results in a non-conservative amino acid change in the encoded protein sequence. Algorithms developed to predict the effect of missense changes on protein structure and function all suggest that this variant is likely to be disruptive. The variant was absent in 250832 control chromosomes. The available data on variant occurrences in the general population are insufficient to allow any conclusion about variant significance. It has also been reported in the heterozygous state in at least 1 individual undergoing genetic testing for ovarian carcinoma (example, Gaia-Oltean_2021) without strong evidence for causality. The literature report does not provide unequivocal conclusions about association of the variant with Hereditary Breast and Ovarian Cancer Syndrome. At least one functional study reports experimental evidence evaluating an impact on protein function and showed no damaging effect of this variant on homology directed repair (HDR) activity (e.g. Richardson_2021, Hu_2022, Hu_2024). HDR assays qualify as a recognized gold standard on the basis of updated guidance provided by the ClinGen Sequence Variant Interpretation (SVI) working group. The following publications have been ascertained in the context of this evaluation (PMID: 32377563, 35736817, 33609447, 28704513, 33948387, 38417439, 33987625, 21520333). ClinVar contains an entry for this variant (Variation ID: 141088). Based on the evidence outlined above, the variant was classified as likely benign.

Labcorp Genetics (formerly Invitae), Labcorp
Classification: Uncertain significance for Hereditary breast ovarian cancer syndrome. Last evaluated: 2025-12-21. Review status: criteria provided, single submitter. Criteria: Invitae Variant Classification Sherloc (09022015). Collection method: clinical testing. Allele origin: germline.
Comment: This sequence change replaces glycine, which is neutral and non-polar, with serine, which is neutral and polar, at codon 2544 of the BRCA2 protein (p.Gly2544Ser). This variant is not present in population databases (gnomAD no frequency). This missense change has been observed in individual(s) with clinical features of BRCA2-related conditions (PMID: 21520333). ClinVar contains an entry for this variant (Variation ID: 141088). Invitae Evidence Modeling incorporating data from in vitro experimental studies (PMID: 33609447) indicates that this missense variant is not expected to disrupt BRCA2 function with a negative predictive value of 95%. Experimental studies have shown that this missense change does not substantially affect BRCA2 function (PMID: 33609447). In summary, the available evidence is currently insufficient to determine the role of this variant in disease. Therefore, it has been classified as a Variant of Uncertain Significance.

Color Diagnostics, LLC DBA Color Health
Classification: Uncertain significance for Hereditary cancer-predisposing syndrome. Last evaluated: 2025-08-13. Review status: criteria provided, single submitter. Criteria: ACMG Guidelines, 2015. Collection method: clinical testing. Allele origin: germline.
Comment: This missense variant replaces glycine with serine at codon 2544 of the BRCA2 protein. Computational predictions are inconclusive on the variant impact on protein structure and function. Functional studies have been reported that this variant does not have significant impact on BRCA2 in homology-directed DNA repair, haploid cell proliferation and sensitivity assays to cisplatin and PARP inhibitor (PMID: 33609447, 35736817, 39779848, 39779857). To our knowledge, this variant has not been reported in individuals affected with BRCA2-related disorders in the literature. This variant has not been identified in the general population by the Genome Aggregation Database (gnomAD). The available evidence is insufficient to determine the role of this variant in disease conclusively. Therefore, this variant is classified as a Variant of Uncertain Significance.

Revvity Omics, Revvity
Classification: Uncertain significance. Last evaluated: 2023-05-05. Review status: criteria provided, single submitter. Criteria: ACMG Guidelines, 2015. Collection method: clinical testing. Allele origin: germline.

GeneDx
Classification: Likely benign. Last evaluated: 2021-04-29. Review status: criteria provided, single submitter. Criteria: GeneDx Variant Classification Process June 2021. Collection method: clinical testing. Allele origin: germline. Affected: yes.
Comment: Not observed in large population cohorts (Lek et al., 2016); In silico analysis supports that this missense variant does not alter protein structure/function; This variant is associated with the following publications: (PMID: 33609447, 32377563)

Ambry Genetics
Classification: Likely benign for Hereditary cancer-predisposing syndrome. Last evaluated: 2020-02-25. Review status: criteria provided, single submitter. Criteria: Ambry Variant Classification Scheme 2023. Collection method: clinical testing. Allele origin: germline.

Eurofins Ntd Llc (ga)
Classification: Uncertain significance. Last evaluated: 2017-12-05. Review status: criteria provided, single submitter. Criteria: EGL Classification Definitions 2015. Collection method: clinical testing. Allele origin: germline. Observed: 1 variant allele, 1 heterozygote.

Genetic Services Laboratory, University of Chicago
Classification: Uncertain significance. Last evaluated: 2017-11-30. Review status: criteria provided, single submitter. Criteria: ACMG Guidelines, 2015. Collection method: clinical testing. Allele origin: germline. Affected: no.

ARUP Laboratories, Molecular Genetics and Genomics, ARUP Laboratories
Classification: Uncertain significance. Last evaluated: 2017-11-28. Review status: criteria provided, single submitter. Criteria: ARUP Molecular Germline Variant Investigation Process. Collection method: clinical testing. Allele origin: germline.

Mayo Clinic Laboratories, Mayo Clinic
Classification: Uncertain significance. Last evaluated: 2017-12-07. Review status: no assertion criteria provided. Collection method: clinical testing. Allele origin: unknown. Not counted in ClinVar's aggregate classification.

Counsyl
Classification: Uncertain significance for Breast-ovarian cancer, familial, susceptibility to, 2. Last evaluated: 2017-11-27. Review status: no assertion criteria provided. Collection method: clinical testing. Allele origin: unknown. Not counted in ClinVar's aggregate classification.

Literature cited by the submitters: PubMed 21520333 (cited by Women's Health and Genetics/Laboratory Corporation of America, LabCorp and Labcorp Genetics (formerly Invitae), Labcorp); PubMed 28704513 (cited by Women's Health and Genetics/Laboratory Corporation of America, LabCorp); PubMed 33609447 (cited by 3 submitters); PubMed 32377563 (cited by Women's Health and Genetics/Laboratory Corporation of America, LabCorp); PubMed 33948387 (cited by Women's Health and Genetics/Laboratory Corporation of America, LabCorp); PubMed 35736817 (cited by Women's Health and Genetics/Laboratory Corporation of America, LabCorp and Color Diagnostics, LLC DBA Color Health); PubMed 38417439 (cited by Women's Health and Genetics/Laboratory Corporation of America, LabCorp); PubMed 33987625 (cited by Women's Health and Genetics/Laboratory Corporation of America, LabCorp); PubMed 39779848 (cited by Color Diagnostics, LLC DBA Color Health); PubMed 39779857 (cited by Color Diagnostics, LLC DBA Color Health).